The following is an entry in ClinVar:

ClinVar aggregate classification (germline): Pathogenic (3 of 4 stars; one submission).

Conditions:
ATM-related cancer predisposition. Also called: ATM-related cancer susceptibility. Identifiers: MedGen CN377759, MONDO:0700270.

Submission:

ClinGen Hereditary Breast, Ovarian and Pancreatic Cancer Variant Curation Expert Panel, ClinGen
Classification: Pathogenic for ATM-related cancer predisposition. Last evaluated: 2026-06-19. Review status: reviewed by expert panel. Criteria: ClinGen HBOP ACMG Specifications ATM V1.5.0. Collection method: curation. Allele origin: germline. Inheritance: Autosomal dominant inheritance.
Comment: The c.8305insA (p.Trp2769*) in ATM is a nonsense variant predicted to cause a premature stop codon in biologically-relevant-exon leading to nonsense mediated decay in a gene in which loss-of-function is an established disease mechanism. This alteration results in a termination codon upstream of the most C-terminus pathogenic alteration (ATM p.Arg3047*), as classified by the HBOP VCEP, and is expected to be more deleterious. This variant has been detected in individual(s) with Ataxia-Telangiectasia (PMIDs 21792198, 22649200, 26896183, 34859152). This variant is absent from gnomAD v4.1.1. In summary, this variant meets the criteria to be classified as pathogenic for autosomal dominant ATM-related cancer predisposition and autosomal recessive Ataxia-Telangiectasia based on the ACMG/AMP criteria applied, as specified by the HBOP VCEP. (PVS1, PM5_Supporting, PM3, PM2_Supporting)

NM_000051.4(ATM):c.8305_8306insA (p.Trp2769Ter)

Genes: C11orf65 (chromosome 11 open reading frame 65; minus strand), ATM (ATM serine/threonine kinase; plus strand). Cytogenetic location: 11q22.3.
Variant type: Insertion.
Coding change: c.8305_8306insA on transcript NM_000051.4 (MANE Select); coding-DNA positions 8305 to 8306, A inserted.
Protein change: p.Trp2769Ter; replaces tryptophan 2769 with a stop codon.
Molecular consequence: nonsense. On other transcripts: intron variant (2).
Genome position: GRCh38 VCF-style: chr11-108343258-T-TA. GRCh37 (hg19) VCF-style: chr11-108213985-T-TA.
Other names: NR_147053.3:n.2300-7967_2300-7966insT; c.695-7967_695-7966insT (NM_001351110.2); c.8305_8306insA, p.Trp2769Ter (NM_001351834.2); c.641-34188_641-34187insT (NM_001330368.2); short protein forms W2769*.
Identifiers: ClinVar variation 4880286 (VCV004880286.1).
Genomic context (GRCh38, chr11:108,343,258, plus strand): 5'-AAGGTATTTAATCTGTAACTCCAGGTGGTTCCCCTCTCTCAGCGAAGTGGTGTTCTTGAA[T>TA]GGTGCACAGGAACTGTCCCCATTGGTGAATTTCTTGTTAACAATGAAGATGGTGCTCATA-3'